The following is an entry in ClinVar:

NM_006261.5(PROP1):c.218_225del (p.Arg73fs)

Gene: PROP1 (PROP paired-like homeobox 1; minus strand). Cytogenetic location: 5q35.3.
Variant type: Deletion.
Coding change: c.218_225del on transcript NM_006261.5 (MANE Select); coding-DNA positions 218 to 225, 8 bases deleted (GCACCACC; older notation c.218_225delGCACCACC).
Protein change: p.Arg73fs; shifts the reading frame from arginine 73.
Molecular consequence: frameshift variant.
Genome position (GRCh38, 1-based): chr5:177,994,223-177,994,230, GGTGGTGC deleted on the plus strand (GCACCACC on the coding strand, the reverse complement: PROP1 is on the minus strand); deleting any 8 consecutive bases within chr5:177,994,223-177,994,235 gives the same sequence; the c. name uses the placement nearest the transcript's 3' end. VCF-style (leftmost placement, unchanged base first): chr5-177994222-AGGTGGTGC-A. GRCh37 (hg19) VCF-style: chr5-177421223-AGGTGGTGC-A.
Other names: short protein forms R73fs.
Identifiers: ClinVar variation 2862658 (VCV002862658.3), dbSNP rs2480287941, ClinGen allele CA2739272822.

ClinVar aggregate classification (germline): Pathogenic (1 of 4 stars; one submission).

Submission:

Labcorp Genetics (formerly Invitae), Labcorp
Classification: Pathogenic. Last evaluated: 2023-05-08. Review status: criteria provided, single submitter. Criteria: Invitae Variant Classification Sherloc (09022015). Collection method: clinical testing. Allele origin: germline.
Comment: For these reasons, this variant has been classified as Pathogenic. This variant disrupts a region of the PROP1 protein in which other variant(s) (p.Trp194*) have been determined to be pathogenic (PMID: 15941866, 20381582). This suggests that this is a clinically significant region of the protein, and that variants that disrupt it are likely to be disease-causing. This variant has not been reported in the literature in individuals affected with PROP1-related conditions. This variant is not present in population databases (gnomAD no frequency). This sequence change creates a premature translational stop signal (p.Arg73Leufs*35) in the PROP1 gene. While this is not anticipated to result in nonsense mediated decay, it is expected to disrupt the last 154 amino acid(s) of the PROP1 protein.

Literature cited by the submitters: PubMed 15941866; PubMed 20381582.